The following is an entry in ClinVar:

NM_021625.5(TRPV4):c.1345A>C (p.Met449Leu)

Gene: TRPV4 (transient receptor potential cation channel subfamily V member 4; minus strand). Cytogenetic location: 12q24.11.
Variant type: single nucleotide variant.
Coding change: c.1345A>C on transcript NM_021625.5 (MANE Select); coding-DNA position 1345, A replaced by C.
Protein change: p.Met449Leu; replaces methionine 449 with leucine.
Molecular consequence: missense variant.
Genome position (GRCh38, 1-based): chr12:109,794,475, T>G on the plus strand (A>C on the coding strand, the complement: TRPV4 is on the minus strand). VCF-style: chr12-109794475-T-G. GRCh37 (hg19) VCF-style: chr12-110232280-T-G.
Other names: c.1165A>C, p.Met389Leu (NM_147204.3); c.1204A>C, p.Met402Leu (NM_001177428.2); c.1243A>C, p.Met415Leu (NM_001177431.2); c.1024A>C, p.Met342Leu (NM_001177433.2); short protein forms M342L, M415L, M449L, M389L, M402L.
Identifiers: ClinVar variation 2011061 (VCV002011061.4), dbSNP rs1846422724, ClinGen allele CA386653253.

ClinVar aggregate classification (germline): Uncertain significance (1 of 4 stars; one submission).

Conditions:
Charcot-Marie-Tooth disease axonal type 2C (HMSN2C). Also called: CHARCOT-MARIE-TOOTH DISEASE, AXONAL, AUTOSOMAL DOMINANT, TYPE 2C; Charcot-Marie-Tooth Neuropathy Type 2C; Charcot-Marie-Tooth Disease Type 2, TRPV4-Related (CMT2C). Identifiers: Orphanet 99937, MedGen C1853710, MONDO:0011633, OMIM 606071.

Submission:

Labcorp Genetics (formerly Invitae), Labcorp
Classification: Uncertain significance for Charcot-Marie-Tooth disease axonal type 2C. Last evaluated: 2023-11-27. Review status: criteria provided, single submitter. Criteria: Invitae Variant Classification Sherloc (09022015). Collection method: clinical testing. Allele origin: germline.
Comment: This sequence change replaces methionine, which is neutral and non-polar, with leucine, which is neutral and non-polar, at codon 449 of the TRPV4 protein (p.Met449Leu). This variant is not present in population databases (gnomAD no frequency). This variant has not been reported in the literature in individuals affected with TRPV4-related conditions. ClinVar contains an entry for this variant (Variation ID: 2011061). Advanced modeling of protein sequence and biophysical properties (such as structural, functional, and spatial information, amino acid conservation, physicochemical variation, residue mobility, and thermodynamic stability) has been performed at Invitae for this missense variant, however the output from this modeling did not meet the statistical confidence thresholds required to predict the impact of this variant on TRPV4 protein function. In summary, the available evidence is currently insufficient to determine the role of this variant in disease. Therefore, it has been classified as a Variant of Uncertain Significance.